The following is an entry in ClinVar:

ClinVar aggregate classification (germline): Benign/Likely benign. Review status: criteria provided, multiple submitters, no conflicts (2 of 4 stars). 5 submissions from 4 submitters: Benign (4); Likely benign (1). Last evaluated 2025-10-29.

Conditions:
ATL1-related disorder. Also called: ATL1-related condition.
Neuropathy, hereditary sensory, type 1D. Identifiers: Orphanet 36386, MedGen C3150972, MONDO:0013381, OMIM 613708.
Hereditary spastic paraplegia 3A (SPG3A). Also called: SPASTIC PARAPLEGIA 3, AUTOSOMAL DOMINANT; FAMILIAL SPASTIC PARAPLEGIA, AUTOSOMAL DOMINANT, 1; SPG3; STRUMPELL DISEASE; Spastic Paraplegia 3A; Spastic paraplegia 3A, autosomal dominant. Identifiers: Orphanet 100984, MedGen C2931355, MONDO:0008437, OMIM 182600.

Allele frequency attached by ClinVar (database versions not stated): gnomAD 0.00006 and 0.00008; gnomAD exomes 0.00006 and 0.00020; TOPMed 0.00014; ExAC 0.00017; 1000 Genomes Project 30x 0.00047; 1000 Genomes Project 0.00060.
gnomAD v4.1: 96 of 1,613,618 alleles (0.0059%); highest among the groups gnomAD compares: East Asian, 0.19%; no homozygotes.

Submissions (5):

Labcorp Genetics (formerly Invitae), Labcorp
Classification: Benign for Hereditary spastic paraplegia 3A. Last evaluated: 2025-10-29. Review status: criteria provided, single submitter. Criteria: Invitae Variant Classification Sherloc (09022015). Collection method: clinical testing. Allele origin: germline.

PreventionGenetics, part of Exact Sciences
Classification: Likely benign for ATL1-related condition. Last evaluated: 2025-09-23. Review status: criteria provided, single submitter. Criteria: ACMG Guidelines, 2015. Collection method: clinical testing. Allele origin: germline.
Comment: This variant is classified as likely benign based on ACMG/AMP sequence variant interpretation guidelines (Richards et al. 2015 PMID: 25741868, with internal and published modifications).

Genome-Nilou Lab
Classification: Benign for Neuropathy, hereditary sensory, type 1D. Last evaluated: 2021-12-05. Review status: criteria provided, single submitter. Criteria: ACMG Guidelines, 2015. Collection method: clinical testing. Allele origin: germline. Affected: no.

Genome-Nilou Lab
Classification: Benign for Hereditary spastic paraplegia 3A. Last evaluated: 2021-12-05. Review status: criteria provided, single submitter. Criteria: ACMG Guidelines, 2015. Collection method: clinical testing. Allele origin: germline. Affected: no.

Illumina Laboratory Services, Illumina
Classification: Benign for Hereditary spastic paraplegia 3A. Last evaluated: 2018-01-13. Review status: criteria provided, single submitter. Criteria: ICSL Variant Classification Criteria 13 December 2019. Collection method: clinical testing. Allele origin: germline.
Comment: This variant was observed in the ICSL laboratory as part of a predisposition screen in an ostensibly healthy population. It had not been previously curated by ICSL or reported in the Human Gene Mutation Database (HGMD: prior to June 1st, 2018), and was therefore a candidate for classification through an automated scoring system. Utilizing variant allele frequency, disease prevalence and penetrance estimates, and inheritance mode, an automated score was calculated to assess if this variant is too frequent to cause the disease. Based on the score and internal cut-off values, a variant classified as benign is not then subjected to further curation. The score for this variant resulted in a classification of benign for this disease.

NM_015915.5(ATL1):c.1635A>G (p.Pro545=)

Gene: ATL1 (atlastin GTPase 1; plus strand). Cytogenetic location: 14q22.1.
Variant type: single nucleotide variant.
Coding change: c.1635A>G on transcript NM_015915.5 (MANE Select); coding-DNA position 1635, A replaced by G.
Protein change: p.Pro545=; no amino-acid change (proline 545 retained).
Molecular consequence: synonymous variant.
Genome position (GRCh38, 1-based): chr14:50,632,297, A>G. VCF-style: chr14-50632297-A-G. GRCh37 (hg19) VCF-style: chr14-51099015-A-G.
Other names: c.1620A>G, p.Pro540= (NM_001127713.1, NM_181598.4).
Identifiers: ClinVar variation 883385 (VCV000883385.14), dbSNP rs191729308, ClinGen allele CA7180561.